The following is an entry in ClinVar:

ClinVar aggregate classification (germline): Pathogenic (1 of 4 stars; one submission).

Conditions:
Early-infantile DEE. Also called: Ohtahara syndrome; Early infantile epileptic encephalopathy with suppression bursts; Early infantile epileptic encephalopathy. Identifiers: Orphanet 1934, MedGen C0393706, MONDO:0800491.

Submission:

Labcorp Genetics (formerly Invitae), Labcorp
Classification: Pathogenic for Early-infantile DEE. Last evaluated: 2022-08-31. Review status: criteria provided, single submitter. Criteria: Invitae Variant Classification Sherloc (09022015). Collection method: clinical testing. Allele origin: germline.
Comment: For these reasons, this variant has been classified as Pathogenic. This variant disrupts a region of the SCN1A protein in which other variant(s) (p.Gln1923Lys) have been determined to be pathogenic (Invitae). This suggests that this is a clinically significant region of the protein, and that variants that disrupt it are likely to be disease-causing. This variant has not been reported in the literature in individuals affected with SCN1A-related conditions. This variant is not present in population databases (gnomAD no frequency). This sequence change creates a premature translational stop signal (p.Val1920Cysfs*20) in the SCN1A gene. While this is not anticipated to result in nonsense mediated decay, it is expected to disrupt the last 90 amino acid(s) of the SCN1A protein.

NM_001165963.4(SCN1A):c.5757_5770del (p.Val1920fs)

Genes: SCN1A (sodium voltage-gated channel alpha subunit 1; minus strand), LOC102724058 (uncharacterized LOC102724058; plus strand). Cytogenetic location: 2q24.3.
Variant type: Deletion.
Coding change: c.5757_5770del on transcript NM_001165963.4 (MANE Select); coding-DNA positions 5757 to 5770, 14 bases deleted (TGTCATTATTCAGC).
Protein change: p.Val1920fs; shifts the reading frame from valine 1920.
Molecular consequence: frameshift variant. On other transcripts: non-coding transcript variant (1).
Genome position (GRCh38, 1-based): chr2:165,991,505-165,991,518, GCTGAATAATGACA deleted on the plus strand (TGTCATTATTCAGC on the coding strand, the reverse complement: SCN1A is on the minus strand); deleting any 14 consecutive bases within chr2:165,991,505-165,991,520 gives the same sequence; the c. name uses the placement nearest the transcript's 3' end. VCF-style (leftmost placement, unchanged base first): chr2-165991504-CGCTGAATAATGACA-C. GRCh37 (hg19) VCF-style: chr2-166848014-CGCTGAATAATGACA-C.
Other names: c.5673_5686del, p.Val1892fs (NM_001165964.3, NM_001353957.2, NM_001353958.2); c.5757_5770del, p.Val1920fs (NM_001202435.3, NM_001353948.2); c.5724_5737del, p.Val1909fs (NM_001353949.2, NM_001353950.2, NM_001353951.2 and 2 more transcripts); c.5721_5734del, p.Val1908fs (NM_001353954.2, NM_001353955.2); c.5670_5683del, p.Val1891fs (NM_001353960.2); c.3315_3328del, p.Val1106fs (NM_001353961.2); short protein forms V1106fs, V1908fs, V1909fs, V1920fs, V1892fs, V1891fs.
Identifiers: ClinVar variation 2028253 (VCV002028253.4), dbSNP rs2468326641, ClinGen allele CA2580064297.